The following is an entry in ClinVar:

ClinVar aggregate classification (germline): Uncertain significance. Review status: criteria provided, multiple submitters, no conflicts (2 of 4 stars). 4 submissions from 4 submitters: Uncertain significance (3). 1 of the submissions does not count toward it. Last evaluated 2026-04-20.

Conditions:
Leber congenital amaurosis 1 (LCA1). Also called: AMAUROSIS CONGENITA OF LEBER I; Congenital absence of the rods and cones; Leber's congenital tapetoretinal degeneration; Leber's congenital tapetoretinal dysplasia; RETINAL BLINDNESS, CONGENITAL. Identifiers: Orphanet 65, MedGen C2931258, MONDO:0008764, OMIM 204000.
Cone-rod dystrophy 6 (CORD6). Also called: Cone dystrophy progressive; RETINAL CONE DYSTROPHY 2. Identifiers: Orphanet 1872, MedGen C1866293, MONDO:0011143, OMIM 601777.
GUCY2D-related disorder. Also called: GUCY2D-related condition.
Optic atrophy. Identifiers: MedGen C0029124, MONDO:0003608, HP:0000648.

Allele frequency attached by ClinVar (database versions not stated): gnomAD exomes 0.00002 and 0.00005; ExAC 0.00005; TOPMed 0.00006; gnomAD 0.00007; ESP Exome Variant Server 0.00008.

Submissions (4):

PreventionGenetics, part of Exact Sciences
Classification: Uncertain significance for GUCY2D-related condition. Last evaluated: 2026-04-20. Review status: criteria provided, single submitter. Criteria: ACMG Guidelines, 2015. Collection method: clinical testing. Allele origin: germline.
Comment: The GUCY2D c.2441C>T variant is predicted to result in the amino acid substitution p.Thr814Met. To our knowledge, this variant has not been reported in the literature. This variant is reported in 0.031% of alleles in individuals of African descent in gnomAD. At this time, the clinical significance of this variant is uncertain due to the absence of conclusive functional and genetic evidence.

Labcorp Genetics (formerly Invitae), Labcorp
Classification: Uncertain significance for Leber congenital amaurosis 1; Cone-rod dystrophy 6. Last evaluated: 2024-09-02. Review status: criteria provided, single submitter. Criteria: Invitae Variant Classification Sherloc (09022015). Collection method: clinical testing. Allele origin: germline.
Comment: This sequence change replaces threonine, which is neutral and polar, with methionine, which is neutral and non-polar, at codon 814 of the GUCY2D protein (p.Thr814Met). This variant is present in population databases (rs150742659, gnomAD 0.03%). This variant has not been reported in the literature in individuals affected with GUCY2D-related conditions. ClinVar contains an entry for this variant (Variation ID: 1043352). Invitae Evidence Modeling of protein sequence and biophysical properties (such as structural, functional, and spatial information, amino acid conservation, physicochemical variation, residue mobility, and thermodynamic stability) indicates that this missense variant is not expected to disrupt GUCY2D protein function with a negative predictive value of 80%. In summary, the available evidence is currently insufficient to determine the role of this variant in disease. Therefore, it has been classified as a Variant of Uncertain Significance.

Blueprint Genetics
Classification: Uncertain significance. Last evaluated: 2024-05-22. Review status: criteria provided, single submitter. Criteria: ACMG Guidelines, 2015. Collection method: clinical testing. Allele origin: germline.

Institute of Human Genetics, Univ. Regensburg, Univ. Regensburg
Classification: Uncertain significance for Optic atrophy. Last evaluated: 2022-01-01. Review status: no assertion criteria provided. Criteria: ACMG Guidelines, 2015. Collection method: clinical testing. Allele origin: germline. Affected: yes. Not counted in ClinVar's aggregate classification.

NM_000180.4(GUCY2D):c.2441C>T (p.Thr814Met)

Gene: GUCY2D (guanylate cyclase 2D, retinal; plus strand). Cytogenetic location: 17p13.1.
Variant type: single nucleotide variant.
Coding change: c.2441C>T on transcript NM_000180.4 (MANE Select); coding-DNA position 2441, C replaced by T.
Protein change: p.Thr814Met; replaces threonine 814 with methionine.
Molecular consequence: missense variant.
Genome position (GRCh38, 1-based): chr17:8,014,629, C>T. VCF-style: chr17-8014629-C-T. GRCh37 (hg19) VCF-style: chr17-7917947-C-T.
Other names: c.2441C>T (NM_000180.3); short protein forms T814M.
Identifiers: ClinVar variation 1043352 (VCV001043352.9), dbSNP rs150742659, ClinGen allele CA8366134.
Genomic context (GRCh38, chr17:8,014,629, plus strand): 5'-CAGCAGCTTTACCAGCTTCCTTCTACTGCTAGTTCAAGAACATCAACAAGGGCCGGAAGA[C>T]GAACATCATTGACTCGATGCTTCGGATGCTGGAGCAGTACTCTAGTAACCTGGAGGATCT-3'
Protein context (NP_000171.1, residues 804-824): LFKNINKGRK[Thr814Met]NIIDSMLRML